The following is an entry in ClinVar:

ClinVar aggregate classification (germline): Uncertain significance. Review status: criteria provided, multiple submitters, no conflicts (2 of 4 stars). 2 submissions from 2 submitters: Uncertain significance (2). Last evaluated 2025-09-15.

Conditions:
Inborn genetic diseases. Identifiers: MedGen C0950123, MeSH D030342.
Acromesomelic dysplasia 1, Maroteaux type (AMD1). Also called: ACROMESOMELIC DYSPLASIA 1; ST. HELENA DYSPLASIA. Identifiers: Orphanet 40, MedGen C1864356, MONDO:0011275, OMIM 602875.
Tall stature-scoliosis-macrodactyly of the great toes syndrome. Also called: Epiphyseal chondrodysplasia, miura type. Identifiers: Orphanet 329191, MedGen C4014690, MONDO:0014401, OMIM 615923.

gnomAD v4.1: 1 of 1,613,794 alleles (0.000062%); highest among the groups gnomAD compares: Non-Finnish European, 0.000085%; no homozygotes.

Submissions (2):

Labcorp Genetics (formerly Invitae), Labcorp
Classification: Uncertain significance for Tall stature-scoliosis-macrodactyly of the great toes syndrome; Acromesomelic dysplasia 1, Maroteaux type. Last evaluated: 2025-09-15. Review status: criteria provided, single submitter. Criteria: Invitae Variant Classification Sherloc (09022015). Collection method: clinical testing. Allele origin: germline.
Comment: This sequence change replaces alanine, which is neutral and non-polar, with glycine, which is neutral and non-polar, at codon 190 of the NPR2 protein (p.Ala190Gly). This variant is not present in population databases (gnomAD no frequency). This variant has not been reported in the literature in individuals affected with NPR2-related conditions. ClinVar contains an entry for this variant (Variation ID: 3880805). Invitae Evidence Modeling of protein sequence and biophysical properties (such as structural, functional, and spatial information, amino acid conservation, physicochemical variation, residue mobility, and thermodynamic stability) indicates that this missense variant is not expected to disrupt NPR2 protein function with a negative predictive value of 80%. In summary, the available evidence is currently insufficient to determine the role of this variant in disease. Therefore, it has been classified as a Variant of Uncertain Significance.

Ambry Genetics
Classification: Uncertain significance for Inborn genetic diseases. Last evaluated: 2025-03-01. Review status: criteria provided, single submitter. Criteria: Ambry Variant Classification Scheme 2023. Collection method: clinical testing. Allele origin: germline.

NM_003995.4(NPR2):c.569C>G (p.Ala190Gly)

Gene: NPR2 (natriuretic peptide receptor 2; plus strand). Cytogenetic location: 9p13.3.
Variant type: single nucleotide variant.
Coding change: c.569C>G on transcript NM_003995.4 (MANE Select); coding-DNA position 569, C replaced by G.
Protein change: p.Ala190Gly; replaces alanine 190 with glycine.
Molecular consequence: missense variant.
Genome position (GRCh38, 1-based): chr9:35,792,977, C>G. VCF-style: chr9-35792977-C-G. GRCh37 (hg19) VCF-style: chr9-35792974-C-G.
Other names: c.569C>G, p.Ala190Gly (NM_001378923.1); short protein forms A190G.
Identifiers: ClinVar variation 3880805 (VCV003880805.2).